The following is an entry in ClinVar:

ClinVar aggregate classification (germline): Benign. Review status: criteria provided, multiple submitters, no conflicts (2 of 4 stars). 3 submissions from 3 submitters: Benign (3). Last evaluated 2021-05-20.

Conditions:
Brain small vessel disease 2A, autosomal dominant. Also called: Porencephaly 2. Identifiers: Orphanet 2940, Orphanet 99810, MedGen C3280970, MONDO:0013773, OMIM 614483.

Allele frequency attached by ClinVar (database versions not stated): gnomAD exomes 0.30049; TOPMed 0.30671; 1000 Genomes Project 0.30891; 1000 Genomes Project 30x 0.31074.
gnomAD v4.1: 89,653 of 293,478 alleles (31%); highest among the groups gnomAD compares: Admixed American, 34%; 14,138 homozygotes.

Submissions (3):

GeneDx
Classification: Benign. Last evaluated: 2021-05-20. Review status: criteria provided, single submitter. Criteria: GeneDx Variant Classification Process June 2021. Collection method: clinical testing. Allele origin: germline. Affected: yes.

Illumina Laboratory Services, Illumina
Classification: Benign for Brain small vessel disease 2A, autosomal dominant. Last evaluated: 2018-01-12. Review status: criteria provided, single submitter. Criteria: ICSL Variant Classification Criteria 13 December 2019. Collection method: clinical testing. Allele origin: germline.
Comment: This variant was observed in the ICSL laboratory as part of a predisposition screen in an ostensibly healthy population. It had not been previously curated by ICSL or reported in the Human Gene Mutation Database (HGMD: prior to June 1st, 2018), and was therefore a candidate for classification through an automated scoring system. Utilizing variant allele frequency, disease prevalence and penetrance estimates, and inheritance mode, an automated score was calculated to assess if this variant is too frequent to cause the disease. Based on the score and internal cut-off values, a variant classified as benign is not then subjected to further curation. The score for this variant resulted in a classification of benign for this disease.

Breakthrough Genomics
Classification: Benign. Review status: criteria provided, single submitter. Criteria: ACMG Guidelines, 2015. Collection method: not provided. Allele origin: germline. Inheritance: Autosomal dominant inheritance. Affected: yes.

NM_001846.4(COL4A2):c.-232C>G

Genes: COL4A1 (collagen type IV alpha 1 chain; minus strand), COL4A2 (collagen type IV alpha 2 chain; plus strand). Cytogenetic location: 13q34.
Variant type: single nucleotide variant.
Coding change: c.-232C>G on transcript NM_001846.4 (MANE Select); 232 bases upstream of the start codon, C replaced by G.
Molecular consequence: 5 prime UTR variant.
Genome position (GRCh38, 1-based): chr13:110,307,341, C>G. VCF-style: chr13-110307341-C-G. GRCh37 (hg19) VCF-style: chr13-110959688-C-G.
Identifiers: ClinVar variation 311090 (VCV000311090.11), dbSNP rs7990009, ClinGen allele CA10638963.